The following is an entry in ClinVar:

ClinVar aggregate classification (germline): Pathogenic (1 of 4 stars; one submission).

Conditions:
Developmental and epileptic encephalopathy, 23 (DEE23). Also called: Epileptic encephalopathy, early infantile, 23. Identifiers: Orphanet 411986, MedGen C4014492, MONDO:0014371, OMIM 615859.

Submission:

Labcorp Genetics (formerly Invitae), Labcorp
Classification: Pathogenic for Developmental and epileptic encephalopathy, 23. Last evaluated: 2025-10-20. Review status: criteria provided, single submitter. Criteria: Invitae Variant Classification Sherloc (09022015). Collection method: clinical testing. Allele origin: germline.
Comment: This sequence change creates a premature translational stop signal (p.Asp512Argfs*7) in the DOCK7 gene. It is expected to result in an absent or disrupted protein product. Loss-of-function variants in DOCK7 are known to be pathogenic (PMID: 24814191). This variant is not present in population databases (gnomAD no frequency). This variant has not been reported in the literature in individuals affected with DOCK7-related conditions. For these reasons, this variant has been classified as Pathogenic.

Literature cited by the submitters: PubMed 24814191.

NM_001367561.1(DOCK7):c.1533dup (p.Asp512fs)

Gene: DOCK7 (dedicator of cytokinesis 7; minus strand). Cytogenetic location: 1p31.3.
Variant type: Duplication.
Coding change: c.1533dup on transcript NM_001367561.1 (MANE Select); coding-DNA position 1533, one base duplicated (A; older notation c.1533dupA).
Protein change: p.Asp512fs; shifts the reading frame from aspartic acid 512.
Molecular consequence: frameshift variant.
Genome position (GRCh38, 1-based): chr1:62,618,855, T duplicated on the plus strand (A on the coding strand, the reverse complement: DOCK7 is on the minus strand). VCF-style (leftmost placement, unchanged base first): chr1-62618854-C-CT. GRCh37 (hg19) VCF-style: chr1-63084525-C-CT.
Other names: c.1533dup, p.Asp512fs (NM_001271999.2, NM_001272000.2, NM_001272001.2 and 3 more transcripts); short protein forms D512fs.
Identifiers: ClinVar variation 4729542 (VCV004729542.1).